The following is an entry in ClinVar:

NM_005802.5(TOPORS):c.814A>G (p.Ile272Val)

Gene: TOPORS (TOP1 binding arginine/serine rich protein, E3 ubiquitin ligase; minus strand). Cytogenetic location: 9p21.1.
Variant type: single nucleotide variant.
Coding change: c.814A>G on transcript NM_005802.5 (MANE Select); coding-DNA position 814, A replaced by G.
Protein change: p.Ile272Val; replaces isoleucine 272 with valine.
Molecular consequence: missense variant.
Genome position (GRCh38, 1-based): chr9:32,543,711, T>C on the plus strand (A>G on the coding strand, the complement: TOPORS is on the minus strand). VCF-style: chr9-32543711-T-C. GRCh37 (hg19) VCF-style: chr9-32543709-T-C.
Other names: c.619A>G, p.Ile207Val (NM_001195622.2); short protein forms I272V, I207V.
Identifiers: ClinVar variation 196418 (VCV000196418.23), dbSNP rs115436019, ClinGen allele CA202365.

ClinVar aggregate classification (germline): Benign/Likely benign. Review status: criteria provided, multiple submitters, no conflicts (2 of 4 stars). 6 submissions from 6 submitters: Benign (1); Likely benign (4). 1 of the submissions does not count toward it. Last evaluated 2026-01-27.

Conditions:
TOPORS-related disorder. Also called: TOPORS-related condition.
Retinitis pigmentosa (RP). Identifiers: Orphanet 791, MedGen C0035334, MeSH D012174, MONDO:0019200, OMIM 268000. Inheritance: Autosomal dominant, autosomal recessive and X linked inheritance.

Allele frequency attached by ClinVar (database versions not stated): gnomAD exomes 0.00035 and 0.00064; ExAC 0.00066; gnomAD 0.00164 and 0.00171; TOPMed 0.00184; 1000 Genomes Project 0.00200; ESP Exome Variant Server 0.00200; 1000 Genomes Project 30x 0.00219.
gnomAD v4.1: 809 of 1,613,050 alleles (0.05%); highest among the groups gnomAD compares: African/African-American, 0.44%; 6 homozygotes.

Submissions (6):

Labcorp Genetics (formerly Invitae), Labcorp
Classification: Benign. Last evaluated: 2026-01-27. Review status: criteria provided, single submitter. Criteria: Invitae Variant Classification Sherloc (09022015). Collection method: clinical testing. Allele origin: germline.

Blueprint Genetics
Classification: Likely benign. Last evaluated: 2024-11-25. Review status: criteria provided, single submitter. Criteria: ACMG Guidelines, 2015. Collection method: clinical testing. Allele origin: germline.

Illumina Laboratory Services, Illumina
Classification: Likely benign for Retinitis pigmentosa. Last evaluated: 2018-01-12. Review status: criteria provided, single submitter. Criteria: ICSL Variant Classification Criteria 13 December 2019. Collection method: clinical testing. Allele origin: germline.
Comment: This variant was observed in the ICSL laboratory as part of a predisposition screen in an ostensibly healthy population. It had not been previously curated by ICSL or reported in the Human Gene Mutation Database (HGMD: prior to June 1st, 2018), and was therefore a candidate for classification through an automated scoring system. Utilizing variant allele frequency, disease prevalence and penetrance estimates, and inheritance mode, an automated score was calculated to assess if this variant is too frequent to cause the disease. Based on the score and internal cut-off values, a variant classified as likely benign is not then subjected to further curation. The score for this variant resulted in a classification of likely benign for this disease.

Eurofins Ntd Llc (ga)
Classification: Likely benign. Last evaluated: 2014-06-27. Review status: criteria provided, single submitter. Criteria: EGL Classification Definitions 2015. Collection method: clinical testing. Allele origin: germline. Observed: 1 variant allele, 1 heterozygote.

Breakthrough Genomics
Classification: Likely benign. Review status: criteria provided, single submitter. Criteria: ACMG Guidelines, 2015. Collection method: not provided. Allele origin: germline. Inheritance: Unknown mechanism. Affected: yes.

PreventionGenetics, part of Exact Sciences
Classification: Likely benign for TOPORS-related condition. Last evaluated: 2019-08-07. Review status: no assertion criteria provided. Collection method: clinical testing. Allele origin: germline. Not counted in ClinVar's aggregate classification.
Comment: This variant is classified as likely benign based on ACMG/AMP sequence variant interpretation guidelines (Richards et al. 2015 PMID: 25741868, with internal and published modifications).